The following is an entry in ClinVar:

ClinVar aggregate classification (germline): Uncertain significance (1 of 4 stars; one submission).

Conditions:
Catecholaminergic polymorphic ventricular tachycardia 1. Also called: VENTRICULAR TACHYCARDIA, CATECHOLAMINERGIC POLYMORPHIC, 1, WITH OR WITHOUT ATRIAL DYSFUNCTION AND/OR DILATED CARDIOMYOPATHY; RYR2-Related Catecholaminergic Polymorphic Ventricular Tachycardia; VENTRICULAR TACHYCARDIA, STRESS-INDUCED POLYMORPHIC 1. Identifiers: Orphanet 3286, MedGen C1631597, MONDO:0011484, OMIM 604772.

Submission:

Labcorp Genetics (formerly Invitae), Labcorp
Classification: Uncertain significance for Catecholaminergic polymorphic ventricular tachycardia 1. Last evaluated: 2024-06-29. Review status: criteria provided, single submitter. Criteria: Invitae Variant Classification Sherloc (09022015). Collection method: clinical testing. Allele origin: germline.
Comment: This sequence change replaces proline, which is neutral and non-polar, with threonine, which is neutral and polar, at codon 1203 of the RYR2 protein (p.Pro1203Thr). This variant is not present in population databases (gnomAD no frequency). This variant has not been reported in the literature in individuals affected with RYR2-related conditions. Advanced modeling of protein sequence and biophysical properties (such as structural, functional, and spatial information, amino acid conservation, physicochemical variation, residue mobility, and thermodynamic stability) performed at Invitae indicates that this missense variant is expected to disrupt RYR2 protein function with a positive predictive value of 95%. In summary, the available evidence is currently insufficient to determine the role of this variant in disease. Therefore, it has been classified as a Variant of Uncertain Significance.

NM_001035.3(RYR2):c.3607C>A (p.Pro1203Thr)

Gene: RYR2 (ryanodine receptor 2; plus strand). Cytogenetic location: 1q43.
Variant type: single nucleotide variant.
Coding change: c.3607C>A on transcript NM_001035.3 (MANE Select); coding-DNA position 3607, C replaced by A.
Protein change: p.Pro1203Thr; replaces proline 1203 with threonine.
Molecular consequence: missense variant.
Genome position (GRCh38, 1-based): chr1:237,589,801, C>A. VCF-style: chr1-237589801-C-A. GRCh37 (hg19) VCF-style: chr1-237753101-C-A.
Other names: short protein forms P1203T.
Identifiers: ClinVar variation 3633791 (VCV003633791.2).